The following is an entry in ClinVar:

NM_006231.4(POLE):c.5243T>C (p.Met1748Thr)

Gene: POLE (DNA polymerase epsilon, catalytic subunit; minus strand). Cytogenetic location: 12q24.33.
Variant type: single nucleotide variant.
Coding change: c.5243T>C on transcript NM_006231.4 (MANE Select); coding-DNA position 5243, T replaced by C.
Protein change: p.Met1748Thr; replaces methionine 1748 with threonine.
Molecular consequence: missense variant.
Genome position (GRCh38, 1-based): chr12:132,641,782, A>G on the plus strand (T>C on the coding strand, the complement: POLE is on the minus strand). VCF-style: chr12-132641782-A-G. GRCh37 (hg19) VCF-style: chr12-133218368-A-G.
Other names: c.5243T>C (NM_006231.2); short protein forms M1748T.
Identifiers: ClinVar variation 2198067 (VCV002198067.6), dbSNP rs759249822, ClinGen allele CA6892584.

ClinVar aggregate classification (germline): Uncertain significance. Review status: criteria provided, multiple submitters, no conflicts (2 of 4 stars). 3 submissions from 3 submitters: Uncertain significance (3). Last evaluated 2026-05-20.

Conditions:
Hereditary cancer-predisposing syndrome. Also called: Tumor predisposition; Hereditary Cancer Syndrome; Hereditary neoplastic syndrome; Neoplastic Syndromes, Hereditary. Identifiers: Orphanet 140162, MedGen C0027672, MeSH D009386, MONDO:0015356.

Allele frequency attached by ClinVar (database versions not stated): ExAC 0.00001; TOPMed 0.00001; gnomAD exomes below 0.00001.

Submissions (3):

Ambry Genetics
Classification: Uncertain significance for Hereditary cancer-predisposing syndrome. Last evaluated: 2026-05-20. Review status: criteria provided, single submitter. Criteria: Ambry Variant Classification Scheme 2023. Collection method: clinical testing. Allele origin: germline.
Comment: The p.M1748T variant (also known as c.5243T>C), located in coding exon 39 of the POLE gene, results from a T to C substitution at nucleotide position 5243. The methionine at codon 1748 is replaced by threonine, an amino acid with similar properties. This amino acid position is well conserved in available vertebrate species. In addition, the in silico prediction for this alteration is inconclusive. Based on the available evidence, the clinical significance of this variant remains unclear.

Labcorp Genetics (formerly Invitae), Labcorp
Classification: Uncertain significance. Last evaluated: 2025-09-25. Review status: criteria provided, single submitter. Criteria: Invitae Variant Classification Sherloc (09022015). Collection method: clinical testing. Allele origin: germline.
Comment: This sequence change replaces methionine, which is neutral and non-polar, with threonine, which is neutral and polar, at codon 1748 of the POLE protein (p.Met1748Thr). This variant is present in population databases (rs759249822, gnomAD 0.003%). This variant has not been reported in the literature in individuals affected with POLE-related conditions. ClinVar contains an entry for this variant (Variation ID: 2198067). Invitae Evidence Modeling of protein sequence and biophysical properties (such as structural, functional, and spatial information, amino acid conservation, physicochemical variation, residue mobility, and thermodynamic stability) indicates that this missense variant is not expected to disrupt POLE protein function with a negative predictive value of 80%. In summary, the available evidence is currently insufficient to determine the role of this variant in disease. Therefore, it has been classified as a Variant of Uncertain Significance.

Revvity Omics, Revvity
Classification: Uncertain significance. Last evaluated: 2025-03-13. Review status: criteria provided, single submitter. Criteria: ACMG Guidelines, 2015. Collection method: clinical testing. Allele origin: germline.